The following is an entry in ClinVar:

NM_144643.4(SCLT1):c.31C>G (p.Gln11Glu)

Gene: SCLT1 (sodium channel and clathrin linker 1; minus strand). Cytogenetic location: 4q28.2.
Variant type: single nucleotide variant.
Coding change: c.31C>G on transcript NM_144643.4 (MANE Select); coding-DNA position 31, C replaced by G.
Protein change: p.Gln11Glu; replaces glutamine 11 with glutamic acid.
Molecular consequence: missense variant.
Genome position (GRCh38, 1-based): chr4:129,093,073, G>C on the plus strand (C>G on the coding strand, the complement: SCLT1 is on the minus strand). VCF-style: chr4-129093073-G-C. GRCh37 (hg19) VCF-style: chr4-130014228-G-C.
Other names: c.31C>G, p.Gln11Glu (NM_001300897.2, NM_001300898.2, NM_001410807.1); short protein forms Q11E.
Identifiers: ClinVar variation 4978940 (VCV004978940.1).
Genomic context (GRCh38, chr4:129,093,073, plus strand): 5'-TCAACGACGACGATATTAAACATTGTATATGAAGTCTCAAAAAAACATGGAGCTTACTTT[G>C]CTCTCTCAGAAAGTCGATTTCTGCAGCCATTTCGATACAATTTTAGTTTAGAGCTTTCAC-3'
Protein context (NP_653244.2, residues 1-21): MAAEIDFLRE[Gln11Glu]NRRLNEDFRR

ClinVar aggregate classification (germline): Uncertain significance (1 of 4 stars; one submission).

Conditions:
SCLT1-related disorder. Also called: SCLT1-related condition.

gnomAD v4.1: 3 of 1,609,538 alleles (0.00019%); highest among the groups gnomAD compares: Admixed American, 0.005%; no homozygotes.

Submission:

PreventionGenetics, part of Exact Sciences
Classification: Uncertain significance for SCLT1-related condition. Last evaluated: 2025-09-26. Review status: criteria provided, single submitter. Criteria: ACMG Guidelines, 2015. Collection method: clinical testing. Allele origin: germline.
Comment: The SCLT1 c.31C>G variant is predicted to result in the amino acid substitution p.Gln11Glu. To our knowledge, this variant has not been reported in the literature. This variant is reported in 0.0058% of alleles in individuals of Latino descent in gnomAD. At this time, the clinical significance of this variant is uncertain due to the absence of conclusive functional and genetic evidence.